The following is an entry in ClinVar:

ClinVar aggregate classification (germline): Uncertain significance (1 of 4 stars; one submission).

Conditions:
Type A2 brachydactyly (BDA2). Also called: BRACHYMESOPHALANGY II; Brachymesophalangy type 2; MOHR-WRIEDT TYPE BRACHYDACTYLY. Identifiers: Orphanet 93396, MedGen C1832702, MONDO:0007216, OMIM 112600, HP:0009372.
Acromesomelic dysplasia 3 (AMD3). Also called: CHONDRODYSPLASIA, ACROMESOMELIC, WITH OR WITHOUT GENITAL ANOMALIES; Acromesomelic dysplasia, Demirhan type. Identifiers: MedGen C4225404, MONDO:0012274, OMIM 609441.

Allele frequency attached by ClinVar (database versions not stated): gnomAD exomes below 0.00001.
gnomAD v4.1: 3 of 1,614,096 alleles (0.00019%); highest among the groups gnomAD compares: Non-Finnish European, 0.00017%; no homozygotes.

Submission:

Labcorp Genetics (formerly Invitae), Labcorp
Classification: Uncertain significance for Type A2 brachydactyly; Acromesomelic dysplasia 3. Last evaluated: 2022-01-26. Review status: criteria provided, single submitter. Criteria: Invitae Variant Classification Sherloc (09022015). Collection method: clinical testing. Allele origin: germline.
Comment: In summary, the available evidence is currently insufficient to determine the role of this variant in disease. Therefore, it has been classified as a Variant of Uncertain Significance. Advanced modeling of protein sequence and biophysical properties (such as structural, functional, and spatial information, amino acid conservation, physicochemical variation, residue mobility, and thermodynamic stability) performed at Invitae indicates that this missense variant is not expected to disrupt BMPR1B protein function. This variant has not been reported in the literature in individuals affected with BMPR1B-related conditions. This variant is not present in population databases (gnomAD no frequency). This sequence change replaces histidine, which is basic and polar, with tyrosine, which is neutral and polar, at codon 391 of the BMPR1B protein (p.His391Tyr).

NM_001203.3(BMPR1B):c.1171C>T (p.His391Tyr)

Gene: BMPR1B (bone morphogenetic protein receptor type 1B; plus strand). Cytogenetic location: 4q22.3.
Variant type: single nucleotide variant.
Coding change: c.1171C>T on transcript NM_001203.3 (MANE Select); coding-DNA position 1171, C replaced by T.
Protein change: p.His391Tyr; replaces histidine 391 with tyrosine.
Molecular consequence: missense variant.
Genome position (GRCh38, 1-based): chr4:95,148,842, C>T. VCF-style: chr4-95148842-C-T. GRCh37 (hg19) VCF-style: chr4-96069993-C-T.
Other names: c.1171C>T, p.His391Tyr (NM_001256792.2, NM_001256794.1); c.1261C>T, p.His421Tyr (NM_001256793.2); short protein forms H421Y, H391Y.
Identifiers: ClinVar variation 1950070 (VCV001950070.5), dbSNP rs2530328373, ClinGen allele CA357685824.